The following is an entry in ClinVar:

ClinVar aggregate classification (germline): Uncertain significance (1 of 4 stars; one submission).

Conditions:
NIK deficiency. Also called: Primary immunodeficiency with multifaceted aberrant lymphoid immunity. Identifiers: Orphanet 447731, MedGen C5680065, MONDO:0018642.

Allele frequency attached by ClinVar (database versions not stated): TOPMed below 0.00001; gnomAD 0.00001; gnomAD exomes 0.00001.
gnomAD v4.1: 5 of 1,613,906 alleles (0.00031%); highest among the groups gnomAD compares: Non-Finnish European, 0.00042%; no homozygotes.

Submission:

Labcorp Genetics (formerly Invitae), Labcorp
Classification: Uncertain significance for NIK deficiency. Last evaluated: 2024-10-16. Review status: criteria provided, single submitter. Criteria: Invitae Variant Classification Sherloc (09022015). Collection method: clinical testing. Allele origin: germline.
Comment: This sequence change replaces glycine, which is neutral and non-polar, with serine, which is neutral and polar, at codon 204 of the MAP3K14 protein (p.Gly204Ser). This variant is not present in population databases (gnomAD no frequency). This variant has not been reported in the literature in individuals affected with MAP3K14-related conditions. ClinVar contains an entry for this variant (Variation ID: 1524670). Experimental studies and prediction algorithms are not available or were not evaluated, and the functional significance of this variant is currently unknown. In summary, the available evidence is currently insufficient to determine the role of this variant in disease. Therefore, it has been classified as a Variant of Uncertain Significance.

NM_003954.5(MAP3K14):c.610G>A (p.Gly204Ser)

Gene: MAP3K14 (mitogen-activated protein kinase kinase kinase 14; minus strand). Cytogenetic location: 17q21.31.
Variant type: single nucleotide variant.
Coding change: c.610G>A on transcript NM_003954.5 (MANE Select); coding-DNA position 610, G replaced by A.
Protein change: p.Gly204Ser; replaces glycine 204 with serine.
Molecular consequence: missense variant.
Genome position (GRCh38, 1-based): chr17:45,286,973, C>T on the plus strand (G>A on the coding strand, the complement: MAP3K14 is on the minus strand). VCF-style: chr17-45286973-C-T. GRCh37 (hg19) VCF-style: chr17-43364339-C-T.
Other names: short protein forms G204S.
Identifiers: ClinVar variation 1524670 (VCV001524670.6), dbSNP rs2044271407, ClinGen allele CA399889414.
Genomic context (GRCh38, chr17:45,286,973, plus strand): 5'-ATCGAGGCAGAGCCGGCCGTAGGCCCTCGCCAAGCTGCTTAAAACAGAGTTGCCCAAGGC[C>T]TGGTTCCTTCAGAGGCTTGGTGAACTGCGGGGTGTTTCTAACATATGGGGCGCCGAGTGG-3'
Protein context (NP_003945.2, residues 194-214): PQFTKPLKEP[Gly204Ser]LGQLCFKQLG